The following is an entry in ClinVar:

ClinVar aggregate classification (germline): Uncertain significance. Review status: criteria provided, multiple submitters, no conflicts (2 of 4 stars). 2 submissions from 2 submitters: Uncertain significance (2). Last evaluated 2021-11-05.

Conditions:
Cardiovascular phenotype. Identifiers: MedGen CN230736.
Hypercholesterolemia, autosomal dominant, type B (FHCL2). Also called: Hyperlipoproteinemia Type IIb; Familial hypercholesterolemia 2; Familial Hypercholesterolemia Type B; APOLIPOPROTEIN B-100, FAMILIAL DEFECTIVE; APOLIPOPROTEIN B-100, FAMILIAL LIGAND-DEFECTIVE; APOB-Related Familial Hypercholesterolemia, Autosomal Dominant. Identifiers: MedGen C1704417, MONDO:0007751, OMIM 144010.

Allele frequency attached by ClinVar (database versions not stated): gnomAD exomes below 0.00001; TOPMed below 0.00001; gnomAD 0.00001.
gnomAD v4.1: 4 of 1,613,910 alleles (0.00025%); highest among the groups gnomAD compares: Non-Finnish European, 0.00034%; no homozygotes.

Submissions (2):

Ambry Genetics
Classification: Uncertain significance for Cardiovascular phenotype. Last evaluated: 2021-11-05. Review status: criteria provided, single submitter. Criteria: Ambry Variant Classification Scheme 2023. Collection method: clinical testing. Allele origin: germline.
Comment: The p.I3265T variant (also known as c.9794T>C), located in coding exon 26 of the APOB gene, results from a T to C substitution at nucleotide position 9794. The isoleucine at codon 3265 is replaced by threonine, an amino acid with similar properties. This amino acid position is conserved. In addition, this alteration is predicted to be tolerated by in silico analysis. Since supporting evidence is limited at this time, the clinical significance of this alteration remains unclear.

Institute of Human Genetics, University of Leipzig Medical Center
Classification: Uncertain significance for Hypercholesterolemia, autosomal dominant, type B. Last evaluated: 2019-01-01. Review status: criteria provided, single submitter. Criteria: ACMG Guidelines, 2015. Collection method: clinical testing. Allele origin: unknown. Affected: yes.

NM_000384.3(APOB):c.9794T>C (p.Ile3265Thr)

Gene: APOB (apolipoprotein B; minus strand). Cytogenetic location: 2p24.1.
Variant type: single nucleotide variant.
Coding change: c.9794T>C on transcript NM_000384.3 (MANE Select); coding-DNA position 9794, T replaced by C.
Protein change: p.Ile3265Thr; replaces isoleucine 3265 with threonine.
Molecular consequence: missense variant.
Genome position (GRCh38, 1-based): chr2:21,007,074, A>G on the plus strand (T>C on the coding strand, the complement: APOB is on the minus strand). VCF-style: chr2-21007074-A-G. GRCh37 (hg19) VCF-style: chr2-21229946-A-G.
Other names: short protein forms I3265T.
Identifiers: ClinVar variation 927152 (VCV000927152.6), dbSNP rs1193351124, ClinGen allele CA345988791.
Genomic context (GRCh38, chr2:21,007,074, plus strand): 5'-ATGGAGAAACTAGGCATGCTGACTGCTTTTGGGAACACATAGCCGAATGCCGACATCTCT[A>G]TGGTGAATGGAGACACTTCAACATTGACAACTGGAACAGTGTATCCAGGAATTTGAAAGG-3'
Protein context (NP_000375.3, residues 3255-3275): VVNVEVSPFT[Ile3265Thr]EMSAFGYVFP